The following is an entry in ClinVar:

ClinVar aggregate classification (germline): Uncertain significance. Review status: criteria provided, multiple submitters, no conflicts (2 of 4 stars). 2 submissions from 2 submitters: Uncertain significance (2). Last evaluated 2025-11-01.

Conditions:
Inborn genetic diseases. Identifiers: MedGen C0950123, MeSH D030342.

Allele frequency attached by ClinVar (database versions not stated): gnomAD exomes below 0.00001; gnomAD 0.00001; TOPMed 0.00001.
gnomAD v4.1: 7 of 1,614,032 alleles (0.00043%); highest among the groups gnomAD compares: Middle Eastern, 0.066%; no homozygotes.

Submissions (2):

CeGaT Center for Human Genetics Tuebingen
Classification: Uncertain significance. Last evaluated: 2025-11-01. Review status: criteria provided, single submitter. Criteria: CeGaT Center For Human Genetics Tuebingen Variant Classification Criteria Version 2. Collection method: clinical testing. Allele origin: germline. Affected: yes. Observed: 2 variant alleles.
Comment: SRRM2: PM2, BP4

Ambry Genetics
Classification: Uncertain significance for Inborn genetic diseases. Last evaluated: 2023-06-12. Review status: criteria provided, single submitter. Criteria: Ambry Variant Classification Scheme 2023. Collection method: clinical testing. Allele origin: germline.

NM_016333.4(SRRM2):c.2933A>G (p.Lys978Arg)

Gene: SRRM2 (serine/arginine repetitive matrix 2; plus strand). Cytogenetic location: 16p13.3.
Variant type: single nucleotide variant.
Coding change: c.2933A>G on transcript NM_016333.4 (MANE Select); coding-DNA position 2933, A replaced by G.
Protein change: p.Lys978Arg; replaces lysine 978 with arginine.
Molecular consequence: missense variant.
Genome position (GRCh38, 1-based): chr16:2,763,461, A>G. VCF-style: chr16-2763461-A-G. GRCh37 (hg19) VCF-style: chr16-2813462-A-G.
Other names: short protein forms K978R.
Identifiers: ClinVar variation 2559333 (VCV002559333.26), dbSNP rs1365763738, ClinGen allele CA394412208.